The following is an entry in ClinVar:

ClinVar aggregate classification (germline): Uncertain significance. Review status: criteria provided, multiple submitters, no conflicts (2 of 4 stars). 2 submissions from 2 submitters: Uncertain significance (2). Last evaluated 2025-03-04.

Conditions:
Colorectal cancer, hereditary nonpolyposis, type 7. Identifiers: Orphanet 144, MedGen C1858380, MONDO:0013725, OMIM 614385.

Allele frequency attached by ClinVar (database versions not stated): TOPMed below 0.00001; gnomAD exomes 0.00001 and 0.00002; ExAC 0.00002.
gnomAD v4.1: 20 of 1,614,132 alleles (0.0012%); highest among the groups gnomAD compares: Middle Eastern, 0.016%; no homozygotes.

Submissions (2):

Center for Genomic Medicine, Rigshospitalet, Copenhagen University Hospital
Classification: Uncertain significance. Last evaluated: 2025-03-04. Review status: criteria provided, single submitter. Criteria: ACMG Guidelines, 2015. Collection method: clinical testing. Allele origin: germline.

Labcorp Genetics (formerly Invitae), Labcorp
Classification: Uncertain significance for Colorectal cancer, hereditary nonpolyposis, type 7. Last evaluated: 2022-08-20. Review status: criteria provided, single submitter. Criteria: Invitae Variant Classification Sherloc (09022015). Collection method: clinical testing. Allele origin: germline.
Comment: Algorithms developed to predict the effect of missense changes on protein structure and function are either unavailable or do not agree on the potential impact of this missense change (SIFT: "Deleterious"; PolyPhen-2: "Benign"; Align-GVGD: "Class C0"). In summary, the available evidence is currently insufficient to determine the role of this variant in disease. Therefore, it has been classified as a Variant of Uncertain Significance. ClinVar contains an entry for this variant (Variation ID: 661542). This missense change has been observed in individual(s) with colorectal cancer (PMID: 25142776). This variant is present in population databases (rs762823997, gnomAD 0.003%). This sequence change replaces threonine, which is neutral and polar, with isoleucine, which is neutral and non-polar, at codon 335 of the MLH3 protein (p.Thr335Ile).

Literature cited by the submitters: PubMed 25142776 (cited by Labcorp Genetics (formerly Invitae), Labcorp).

NM_001040108.2(MLH3):c.1004C>T (p.Thr335Ile)

Gene: MLH3 (mutL homolog 3; minus strand). Cytogenetic location: 14q24.3.
Variant type: single nucleotide variant.
Coding change: c.1004C>T on transcript NM_001040108.2 (MANE Select); coding-DNA position 1004, C replaced by T.
Protein change: p.Thr335Ile; replaces threonine 335 with isoleucine.
Molecular consequence: missense variant.
Genome position (GRCh38, 1-based): chr14:75,048,652, G>A on the plus strand (C>T on the coding strand, the complement: MLH3 is on the minus strand). VCF-style: chr14-75048652-G-A. GRCh37 (hg19) VCF-style: chr14-75515355-G-A.
Other names: c.1004C>T, p.Thr335Ile (NM_014381.3); short protein forms T335I.
Identifiers: ClinVar variation 661542 (VCV000661542.10), dbSNP rs762823997, ClinGen allele CA7275934.
Genomic context (GRCh38, chr14:75,048,652, plus strand): 5'-ACAAATAATTTTTCTTGCTTTAAAAACATTTTCACTCCTTCCTGAATGCAAAACAAGAGA[G>A]TGTCCCAGTTCTGAAATTCAATCAGAGTTTTGGCTGGCTCCATGCACACATCATACTCAC-3'
Protein context (NP_001035197.1, residues 325-345): KTLIEFQNWD[Thr335Ile]LLFCIQEGVK